The following is an entry in ClinVar:

ClinVar aggregate classification (germline): Uncertain significance (1 of 4 stars; one submission).

gnomAD v4.1: 1 of 1,510,700 alleles (0.000066%); no homozygotes.

Submission:

Labcorp Genetics (formerly Invitae), Labcorp
Classification: Uncertain significance. Last evaluated: 2025-01-15. Review status: criteria provided, single submitter. Criteria: Invitae Variant Classification Sherloc (09022015). Collection method: clinical testing. Allele origin: germline.
Comment: This sequence change replaces aspartic acid, which is acidic and polar, with glutamic acid, which is acidic and polar, at codon 79 of the C1QTNF5 protein (p.Asp79Glu). This variant is not present in population databases (gnomAD no frequency). This variant has not been reported in the literature in individuals affected with C1QTNF5-related conditions. An algorithm developed to predict the effect of missense changes on protein structure and function outputs the following: PolyPhen-2: "Probably Damaging". The glutamic acid amino acid residue is found in multiple mammalian species, which suggests that this missense change does not adversely affect protein function. In summary, the available evidence is currently insufficient to determine the role of this variant in disease. Therefore, it has been classified as a Variant of Uncertain Significance.

NM_001278431.2(C1QTNF5):c.237C>A (p.Asp79Glu)

Genes: C1QTNF5 (C1q and TNF related 5; minus strand), MFRP (membrane frizzled-related protein; minus strand). Cytogenetic location: 11q23.3.
Variant type: single nucleotide variant.
Coding change: c.237C>A on transcript NM_001278431.2 (MANE Select); coding-DNA position 237, C replaced by A.
Protein change: p.Asp79Glu; replaces aspartic acid 79 with glutamic acid.
Molecular consequence: missense variant. On other transcripts: 3 prime UTR variant (1).
Genome position (GRCh38, 1-based): chr11:119,339,826, G>T on the plus strand (C>A on the coding strand, the complement: C1QTNF5 is on the minus strand). VCF-style: chr11-119339826-G-T. GRCh37 (hg19) VCF-style: chr11-119210536-G-T.
Other names: c.237C>A, p.Asp79Glu (NM_015645.5); c.*1133C>A (NM_031433.4); short protein forms D79E.
Identifiers: ClinVar variation 3729068 (VCV003729068.2).